The following is an entry in ClinVar:

ClinVar aggregate classification (germline): Likely pathogenic. Review status: criteria provided, multiple submitters, no conflicts (2 of 4 stars). 6 submissions from 6 submitters: Likely pathogenic (5). 1 of the submissions does not count toward it. Last evaluated 2024-06-05.

Conditions:
Hereditary cancer-predisposing syndrome. Also called: Neoplastic Syndromes, Hereditary; Hereditary neoplastic syndrome; Hereditary Cancer Syndrome; Tumor predisposition. Identifiers: Orphanet 140162, MedGen C0027672, MeSH D009386, MONDO:0015356.
Familial cancer of breast. Also called: hereditary breast carcinoma; Hereditary breast cancer; BREAST CANCER, FAMILIAL. Identifiers: Orphanet 227535, MedGen C0346153, MONDO:0016419, OMIM 114480. Disease mechanism: loss of function.
Ataxia-telangiectasia syndrome (AT). Also called: Ataxia-telangiectasia, complementation group D; Ataxia-telangiectasia, complementation group E; LOUIS-BAR SYNDROME; AT, COMPLEMENTATION GROUP C; ATAXIA-TELANGIECTASIA, COMPLEMENTATION GROUP A; ATAXIA-TELANGIECTASIA, FRESNO VARIANT. Identifiers: Orphanet 100, MedGen C0004135, MONDO:0008840, OMIM 208900.
ATM-related disorder. Also called: ATM-related disorders; ATM-related condition.

Submissions (6):

Ambry Genetics
Classification: Likely pathogenic for Hereditary cancer-predisposing syndrome. Last evaluated: 2024-06-05. Review status: criteria provided, single submitter. Criteria: Ambry Variant Classification Scheme 2023. Collection method: clinical testing. Allele origin: germline.
Comment: The c.6095+2T>C intronic variant results from a T to C substitution two nucleotides after coding exon 40 in the ATM gene. This nucleotide position is highly conserved in available vertebrate species. In silico splice site analysis predicts that this alteration will weaken the native splice donor site. RNA studies have demonstrated that this alteration results in abnormal splicing in the set of samples tested (Ambry internal data). Alterations that disrupt the canonical splice site are expected to cause aberrant splicing, resulting in an abnormal protein or a transcript that is subject to nonsense-mediated mRNA decay. Based on the majority of available evidence to date, this variant is likely to be pathogenic.

Myriad Genetics, Inc.
Classification: Likely pathogenic for Familial cancer of breast. Last evaluated: 2024-01-29. Review status: criteria provided, single submitter. Criteria: Myriad Autosomal Dominant, Autosomal Recessive and X-Linked Classification Criteria (2023). Collection method: clinical testing. Allele origin: unknown.
Comment: This variant is considered likely pathogenic. This variant occurs within a consensus splice junction and is predicted to result in abnormal mRNA splicing of either an out-of-frame exon or an in-frame exon necessary for protein stability and/or normal function.

PreventionGenetics, part of Exact Sciences
Classification: Likely pathogenic for ATM-related condition. Last evaluated: 2023-08-29. Review status: criteria provided, single submitter. Criteria: ACMG Guidelines, 2015. Collection method: clinical testing. Allele origin: germline.
Comment: The ATM c.6095+2T>C variant is predicted to disrupt the GT donor site and interfere with normal splicing. To our knowledge, this variant has not been reported in the literature or in a large population database, indicating this variant is rare. Variants that disrupt the consensus splice donor site in ATM are expected to be pathogenic. This variant is interpreted as likely pathogenic.

Labcorp Genetics (formerly Invitae), Labcorp
Classification: Likely pathogenic for Ataxia-telangiectasia syndrome. Last evaluated: 2022-03-08. Review status: criteria provided, single submitter. Criteria: Invitae Variant Classification Sherloc (09022015). Collection method: clinical testing. Allele origin: germline.
Comment: This variant is not present in population databases (gnomAD no frequency). This sequence change affects a donor splice site in intron 41 of the ATM gene. It is expected to disrupt RNA splicing. Variants that disrupt the donor or acceptor splice site typically lead to a loss of protein function (PMID: 16199547), and loss-of-function variants in ATM are known to be pathogenic (PMID: 23807571, 25614872). This variant has not been reported in the literature in individuals affected with ATM-related conditions. ClinVar contains an entry for this variant (Variation ID: 370488). Algorithms developed to predict the effect of sequence changes on RNA splicing suggest that this variant may disrupt the consensus splice site. In summary, the currently available evidence indicates that the variant is pathogenic, but additional data are needed to prove that conclusively. Therefore, this variant has been classified as Likely Pathogenic.

Women's Health and Genetics/Laboratory Corporation of America, LabCorp
Classification: Likely pathogenic for Ataxia-telangiectasia syndrome. Last evaluated: 2019-04-25. Review status: criteria provided, single submitter. Criteria: LabCorp Variant Classification Summary - May 2015. Collection method: clinical testing. Allele origin: germline.
Comment: Variant summary: ATM c.6095+2T>C is located in a canonical splice-site and is predicted to affect mRNA splicing resulting in a significantly altered protein due to either exon skipping, shortening, or inclusion of intronic material. Several computational tools predict a significant impact on normal splicing: Three predict the variant abolishes a 5 splicing donor site. However, these predictions have yet to be confirmed by functional studies. The variant was absent in 251394 control chromosomes (gnomAD). To our knowledge, no occurrence of c.6095+2T>C in individuals affected with Ataxia-Telangiectasia and no experimental evidence demonstrating its impact on protein function have been reported. A ClinVar submission from a clinical diagnostic laboratory (evaluation after 2014) cites the variant as likely pathogenic. Based on the evidence outlined above, the variant was classified as likely pathogenic.

Counsyl
Classification: Likely pathogenic for Ataxia-telangiectasia syndrome. Last evaluated: 2016-02-22. Review status: no assertion criteria provided. Collection method: clinical testing. Allele origin: unknown. Not counted in ClinVar's aggregate classification.

Literature cited by the submitters: PubMed 16199547 (cited by Labcorp Genetics (formerly Invitae), Labcorp); PubMed 23807571 (cited by Labcorp Genetics (formerly Invitae), Labcorp); PubMed 25614872 (cited by Labcorp Genetics (formerly Invitae), Labcorp).

NM_000051.4(ATM):c.6095+2T>C

Genes: ATM (ATM serine/threonine kinase; plus strand), C11orf65 (chromosome 11 open reading frame 65; minus strand). Cytogenetic location: 11q22.3.
Variant type: single nucleotide variant.
Coding change: c.6095+2T>C on transcript NM_000051.4 (MANE Select); the canonical splice donor site of the intron after coding-DNA position 6095, T replaced by C.
Molecular consequence: splice donor variant. On other transcripts: intron variant (2).
Genome position (GRCh38, 1-based): chr11:108,315,913, T>C. VCF-style: chr11-108315913-T-C. GRCh37 (hg19) VCF-style: chr11-108186640-T-C.
Other names: c.6095+2T>C (NM_001351834.2); c.641-6842A>G (NM_001330368.2); c.*39-6842A>G (NM_001351110.2).
Identifiers: ClinVar variation 370488 (VCV000370488.53), dbSNP rs1057516525, ClinGen allele CA16041421.